The following is an entry in ClinVar:

NM_000199.5(SGSH):c.390C>T (p.Thr130=)

Gene: SGSH (N-sulfoglucosamine sulfohydrolase; minus strand). Cytogenetic location: 17q25.3.
Variant type: single nucleotide variant.
Coding change: c.390C>T on transcript NM_000199.5 (MANE Select); coding-DNA position 390, C replaced by T.
Protein change: p.Thr130=; no amino-acid change (threonine 130 retained).
Molecular consequence: synonymous variant. On other transcripts: non-coding transcript variant (1).
Genome position (GRCh38, 1-based): chr17:80,214,731, G>A on the plus strand (C>T on the coding strand, the complement: SGSH is on the minus strand). VCF-style: chr17-80214731-G-A. GRCh37 (hg19) VCF-style: chr17-78188530-G-A.
Other names: c.390C>T, p.Thr130= (NM_001352921.3, NM_001352922.2).
Identifiers: ClinVar variation 720232 (VCV000720232.20), dbSNP rs111761143, ClinGen allele CA8818032.
Genomic context (GRCh38, chr17:80,214,731, plus strand): 5'-CCGCCCCACCTGGAGGACGGAGCCATTCTCCTCCGTGTACGCAAAGTCAAACGGGTACAC[G>A]GTCTCCGGCCCCACGTGCTTCTTCCCGATGATGCCTGGGCGGGAAGAGAGGCCTGGCCAG-3'
Protein context (NP_000190.1, residues 120-140): IIGKKHVGPE[Thr130=]VYPFDFAYTE

ClinVar aggregate classification (germline): Conflicting classifications of pathogenicity. Review status: criteria provided, conflicting classifications (1 of 4 stars). 6 submissions from 6 submitters: Uncertain significance (1); Benign (1); Likely benign (3). 1 of the submissions does not count toward it. Last evaluated 2026-01-25.

Conditions:
Mucopolysaccharidosis, MPS-III-A (MPS3A). Also called: MUCOPOLYSACCHARIDOSIS, TYPE IIIA, ATTENUATED; HEPARAN SULFATE SULFATASE DEFICIENCY; SANFILIPPO SYNDROME A; SULFAMIDASE DEFICIENCY; Mucopolysaccharidosis, type IIIA; MPS III A. Identifiers: Orphanet 581, Orphanet 79269, MedGen C0086647, MONDO:0009655, OMIM 252900.
SGSH-related disorder. Also called: SGSH-related condition.

Allele frequency attached by ClinVar (database versions not stated): 1000 Genomes Project 30x 0.00031; TOPMed 0.00116; gnomAD 0.00105 and 0.00096; 1000 Genomes Project 0.00040; ESP Exome Variant Server 0.00085.
gnomAD v4.1: 310 of 1,612,884 alleles (0.019%); highest among the groups gnomAD compares: African/African-American, 0.33%; 1 homozygote.

Submissions (6):

Labcorp Genetics (formerly Invitae), Labcorp
Classification: Benign for Mucopolysaccharidosis, MPS-III-A. Last evaluated: 2026-01-25. Review status: criteria provided, single submitter. Criteria: Invitae Variant Classification Sherloc (09022015). Collection method: clinical testing. Allele origin: germline.

PreventionGenetics, part of Exact Sciences
Classification: Likely benign for SGSH-related condition. Last evaluated: 2025-06-07. Review status: criteria provided, single submitter. Criteria: ACMG Guidelines, 2015. Collection method: clinical testing. Allele origin: germline.
Comment: This variant is classified as likely benign based on ACMG/AMP sequence variant interpretation guidelines (Richards et al. 2015 PMID: 25741868, with internal and published modifications).

Blueprint Genetics
Classification: Likely benign. Last evaluated: 2024-10-09. Review status: criteria provided, single submitter. Criteria: ACMG Guidelines, 2015. Collection method: clinical testing. Allele origin: germline.

Genome-Nilou Lab
Classification: Likely benign for Mucopolysaccharidosis, MPS-III-A. Last evaluated: 2021-11-07. Review status: criteria provided, single submitter. Criteria: ACMG Guidelines, 2015. Collection method: clinical testing. Allele origin: germline. Affected: no.

Illumina Laboratory Services, Illumina
Classification: Uncertain significance for Mucopolysaccharidosis, MPS-III-A. Last evaluated: 2018-01-13. Review status: criteria provided, single submitter. Criteria: ICSL Variant Classification Criteria 13 December 2019. Collection method: clinical testing. Allele origin: germline.

Natera, Inc.
Classification: Likely benign for Mucopolysaccharidosis type IIIA. Last evaluated: 2020-05-04. Review status: no assertion criteria provided. Collection method: clinical testing. Allele origin: germline. Not counted in ClinVar's aggregate classification.